The following is an entry in ClinVar:

ClinVar aggregate classification (germline): Uncertain significance (1 of 4 stars; one submission).

Submission:

Labcorp Genetics (formerly Invitae), Labcorp
Classification: Uncertain significance. Last evaluated: 2022-08-06. Review status: criteria provided, single submitter. Criteria: Invitae Variant Classification Sherloc (09022015). Collection method: clinical testing. Allele origin: germline.
Comment: In summary, the available evidence is currently insufficient to determine the role of this variant in disease. Therefore, it has been classified as a Variant of Uncertain Significance. Algorithms developed to predict the effect of missense changes on protein structure and function are either unavailable or do not agree on the potential impact of this missense change (SIFT: "Deleterious"; PolyPhen-2: "Probably Damaging"; Align-GVGD: "Class C0"). This variant has not been reported in the literature in individuals affected with GNB3-related conditions. This variant is not present in population databases (gnomAD no frequency). This sequence change replaces aspartic acid, which is acidic and polar, with glutamic acid, which is acidic and polar, at codon 298 of the GNB3 protein (p.Asp298Glu).

NM_002075.4(GNB3):c.894C>G (p.Asp298Glu)

Genes: GNB3 (G protein subunit beta 3; plus strand), CDCA3 (cell division cycle associated 3; minus strand). Cytogenetic location: 12p13.31.
Variant type: single nucleotide variant.
Coding change: c.894C>G on transcript NM_002075.4 (MANE Select); coding-DNA position 894, C replaced by G.
Protein change: p.Asp298Glu; replaces aspartic acid 298 with glutamic acid.
Molecular consequence: missense variant. On other transcripts: 3 prime UTR variant (1).
Genome position (GRCh38, 1-based): chr12:6,845,780, C>G. VCF-style: chr12-6845780-C-G. GRCh37 (hg19) VCF-style: chr12-6954944-C-G.
Other names: c.891C>G, p.Asp297Glu (NM_001297571.2); c.*1008G>C (NM_001297603.3); short protein forms D298E, D297E.
Identifiers: ClinVar variation 1924632 (VCV001924632.4), dbSNP rs140337095, ClinGen allele CA383675536.